The following is an entry in ClinVar:

ClinVar aggregate classification (germline): Uncertain significance (1 of 4 stars; one submission).

Conditions:
Diffuse cerebral and cerebellar atrophy - intractable seizures - progressive microcephaly syndrome. Also called: Microcephaly, progressive, with seizures and cerebral and cerebellar atrophy. Identifiers: Orphanet 404437, MedGen C4014239, MONDO:0014335, OMIM 615760.

Submission:

Labcorp Genetics (formerly Invitae), Labcorp
Classification: Uncertain significance for Diffuse cerebral and cerebellar atrophy - intractable seizures - progressive microcephaly syndrome. Last evaluated: 2019-12-20. Review status: criteria provided, single submitter. Criteria: Invitae Variant Classification Sherloc (09022015). Collection method: clinical testing. Allele origin: germline.
Comment: This variant has not been reported in the literature in individuals with QARS-related conditions. In summary, the available evidence is currently insufficient to determine the role of this variant in disease. Therefore, it has been classified as a Variant of Uncertain Significance. Experimental studies and prediction algorithms are not available or were not evaluated, and the functional significance of this variant is currently unknown. This variant is not present in population databases (ExAC no frequency). This variant, c.1144_1146del, results in the deletion of 1 amino acid(s) of the QARS protein (p.Glu382del), but otherwise preserves the integrity of the reading frame.

NM_005051.3(QARS1):c.1141GAG[1] (p.Glu382del)

Gene: QARS1 (glutaminyl-tRNA synthetase 1; minus strand). Cytogenetic location: 3p21.31.
Variant type: Microsatellite.
Coding change: c.1141GAG[1] on transcript NM_005051.3 (MANE Select); one copy of the 3-base unit GAG starting at c.1141; the reference has two copies in a row; one copy, 3 bases deleted.
Protein change: p.Glu382del; deletes glutamic acid 382.
Molecular consequence: inframe deletion. On other transcripts: non-coding transcript variant (1).
Genome position (GRCh38, 1-based): chr3:49,100,208-49,100,210, CTC deleted on the plus strand (GAG on the coding strand, the reverse complement: QARS1 is on the minus strand); deleting any 3 consecutive bases within chr3:49,100,208-49,100,214 gives the same sequence; the position shown is the placement nearest the transcript's 3' end. VCF-style (leftmost placement, unchanged base first): chr3-49100207-ACTC-A. GRCh37 (hg19) VCF-style: chr3-49137640-ACTC-A.
Other names: c.1108GAG[1], p.Glu371del (NM_001272073.2); short protein forms E371del, E382del.
Identifiers: ClinVar variation 862462 (VCV000862462.8), dbSNP rs2042450960, ClinGen allele CA916082574.